The following is an entry in ClinVar:

ClinVar aggregate classification (germline): Pathogenic. Review status: criteria provided, multiple submitters, no conflicts (2 of 4 stars). 4 submissions from 4 submitters: Pathogenic (3). 1 of the submissions does not count toward it. Last evaluated 2024-03-29.

Conditions:
Junctional epidermolysis bullosa with pyloric atresia. Also called: Epidermolysis bullosa, junctional, with pyloric atresia and aplasia cutis congenita; Epidermolysis bullosa junctionalis with pyloric atresia; APLASIA CUTIS CONGENITA WITH GASTROINTESTINAL ATRESIA; CARMI SYNDROME; EPIDERMOLYSIS BULLOSA, JUNCTIONAL 5B, WITH PYLORIC ATRESIA; EB-PA-ACC. Identifiers: Orphanet 79403, MedGen C5676875, MONDO:0009183, OMIM 226730.

Allele frequency attached by ClinVar (database versions not stated): gnomAD 0.00001; TOPMed 0.00001; gnomAD exomes 0.00002; ESP Exome Variant Server 0.00008.
gnomAD v4.1: 26 of 1,612,932 alleles (0.0016%); highest among the groups gnomAD compares: Non-Finnish European, 0.0022%; no homozygotes.

Submissions (4):

Genomic Medicine Center of Excellence, King Faisal Specialist Hospital and Research Centre
Classification: Pathogenic for Junctional epidermolysis bullosa with pyloric atresia. Last evaluated: 2024-03-29. Review status: criteria provided, single submitter. Criteria: ACMG Guidelines, 2015. Collection method: clinical testing. Allele origin: germline.

Labcorp Genetics (formerly Invitae), Labcorp
Classification: Pathogenic. Last evaluated: 2023-09-19. Review status: criteria provided, single submitter. Criteria: Invitae Variant Classification Sherloc (09022015). Collection method: clinical testing. Allele origin: germline.
Comment: For these reasons, this variant has been classified as Pathogenic. Algorithms developed to predict the effect of sequence changes on RNA splicing suggest that this variant may disrupt the consensus splice site. ClinVar contains an entry for this variant (Variation ID: 14736). Disruption of this splice site has been observed in individuals with epidermolysis bullosa (PMID: 33937469, 34046686). This variant is present in population databases (rs147222357, gnomAD 0.002%). This sequence change affects a donor splice site in intron 30 of the ITGB4 gene. It is expected to disrupt RNA splicing. Variants that disrupt the donor or acceptor splice site typically lead to a loss of protein function (PMID: 16199547), and loss-of-function variants in ITGB4 are known to be pathogenic (PMID: 11328943, 16473856).

GeneDx
Classification: Pathogenic. Last evaluated: 2018-03-01. Review status: criteria provided, single submitter. Criteria: GeneDx Variant Classification (06012015). Collection method: clinical testing. Allele origin: germline. Affected: yes.
Comment: The c.3793+1G>A: IVS30+1G>A pathogenic variant in the ITGB4 gene has been reported previously in association with EB-PA (Pulkkinen et al. 1997 Mellerio et al., 1998, Ashton et al., 2001, Varki et al., 2006, Dang et al. 2008, Lee et al. 2015). Pulkkinen et al. 1997 showed that the variant leads to the use of a cryptic splice site and results in a frameshift and the creation of a downstream STOP codon resulting in premature termination of the protein and when present in the homozygous state results in a severe phenotype (Dang et al., 2008). This splice site variant destroys the canonical splice donor site in intron 30. It is predicted to cause abnormal gene splicing, either leading to an abnormal message that is subject to nonsense-mediated mRNA decay, or to an abnormal protein product if the message is used for protein translation. The c.3793+1G>A: IVS30+1G>A variant was not observed in significant numbers in approximately 8600 individuals of European and African American ancestry in the NHLBI Exome Sequencing Project, indicating it is not a common benign variant in these populations. We interpret c.3793+1G>A: IVS30+1G>A as a pathogenic variant.

OMIM
Classification: Pathogenic for EPIDERMOLYSIS BULLOSA, JUNCTIONAL 5B, WITH PYLORIC ATRESIA. Last evaluated: 1998-11-01. Review status: no assertion criteria provided. Collection method: literature only. Allele origin: germline. Not counted in ClinVar's aggregate classification.

Literature cited by the submitters: PubMed 33937469 (cited by Labcorp Genetics (formerly Invitae), Labcorp); PubMed 34046686 (cited by Labcorp Genetics (formerly Invitae), Labcorp); PubMed 16199547 (cited by Labcorp Genetics (formerly Invitae), Labcorp); PubMed 11328943 (cited by Labcorp Genetics (formerly Invitae), Labcorp); PubMed 16473856 (cited by Labcorp Genetics (formerly Invitae), Labcorp); PubMed 9892956 (cited by OMIM).

NM_000213.5(ITGB4):c.3793+1G>A

Gene: ITGB4 (integrin subunit beta 4; plus strand). Cytogenetic location: 17q25.1.
Variant type: single nucleotide variant.
Coding change: c.3793+1G>A on transcript NM_000213.5 (MANE Select); the canonical splice donor site of the intron after coding-DNA position 3793, G replaced by A.
Molecular consequence: splice donor variant.
Genome position (GRCh38, 1-based): chr17:75,751,112, G>A. VCF-style: chr17-75751112-G-A. GRCh37 (hg19) VCF-style: chr17-73747193-G-A.
Other names: IVS30DS, G-A, +1; c.3793+1G>A (NM_001005619.2, NM_001005731.3, NM_001438834.1 and 1 more transcripts).
Identifiers: ClinVar variation 14736 (VCV000014736.7), dbSNP rs147222357, ClinGen allele CA257302.